The following is an entry in ClinVar:

NM_138694.4(PKHD1):c.106A>G (p.Thr36Ala)

Gene: PKHD1 (PKHD1 ciliary IPT domain containing fibrocystin/polyductin; minus strand). Cytogenetic location: 6p12.2.
Variant type: single nucleotide variant.
Coding change: c.106A>G on transcript NM_138694.4 (MANE Select); coding-DNA position 106, A replaced by G.
Protein change: p.Thr36Ala; replaces threonine 36 with alanine.
Molecular consequence: missense variant.
Genome position (GRCh38, 1-based): chr6:52,083,202, T>C on the plus strand (A>G on the coding strand, the complement: PKHD1 is on the minus strand). VCF-style: chr6-52083202-T-C. GRCh37 (hg19) VCF-style: chr6-51948000-T-C.
Other names: c.106A>G, p.Thr36Ala (NM_170724.3); short protein forms T36A.
Identifiers: ClinVar variation 1515136 (VCV001515136.6), dbSNP rs758858303, ClinGen allele CA364440930.

ClinVar aggregate classification (germline): Likely pathogenic (1 of 4 stars; one submission).

Conditions:
Autosomal recessive polycystic kidney disease (ARPKD). Also called: AR polycystic kidney disease. Identifiers: Orphanet 731, Orphanet 8378, MedGen C0085548, MeSH D017044, MONDO:0009889.

Allele frequency attached by ClinVar (database versions not stated): gnomAD 0.00001.
gnomAD v4.1: 1 of 1,611,100 alleles (0.000062%); highest among the groups gnomAD compares: Non-Finnish European, 0.000085%; no homozygotes.

Submission:

Labcorp Genetics (formerly Invitae), Labcorp
Classification: Likely pathogenic for Autosomal recessive polycystic kidney disease. Last evaluated: 2021-10-01. Review status: criteria provided, single submitter. Criteria: Invitae Variant Classification Sherloc (09022015). Collection method: clinical testing. Allele origin: germline.
Comment: In summary, the currently available evidence indicates that the variant is pathogenic, but additional data are needed to prove that conclusively. Therefore, this variant has been classified as Likely Pathogenic. This variant disrupts the p.Thr36 amino acid residue in PKHD1. Other variant(s) that disrupt this residue have been determined to be pathogenic (PMID: 11898128, 11919560, 12506140). This suggests that this residue is clinically significant, and that variants that disrupt this residue are likely to be disease-causing. Advanced modeling of protein sequence and biophysical properties (such as structural, functional, and spatial information, amino acid conservation, physicochemical variation, residue mobility, and thermodynamic stability) performed at Invitae indicates that this missense variant is expected to disrupt PKHD1 protein function. This variant has not been reported in the literature in individuals affected with PKHD1-related conditions. This variant is not present in population databases (ExAC no frequency). This sequence change replaces threonine with alanine at codon 36 of the PKHD1 protein (p.Thr36Ala). The threonine residue is moderately conserved and there is a small physicochemical difference between threonine and alanine.

Literature cited by the submitters: PubMed 11898128; PubMed 11919560; PubMed 12506140.